The following is an entry in ClinVar:

NM_032608.7(MYO18B):c.155C>T (p.Ala52Val)

Gene: MYO18B (myosin XVIIIB; plus strand). Cytogenetic location: 22q12.1.
Variant type: single nucleotide variant.
Coding change: c.155C>T on transcript NM_032608.7 (MANE Select); coding-DNA position 155, C replaced by T.
Protein change: p.Ala52Val; replaces alanine 52 with valine.
Molecular consequence: missense variant.
Genome position (GRCh38, 1-based): chr22:25,763,346, C>T. VCF-style: chr22-25763346-C-T. GRCh37 (hg19) VCF-style: chr22-26159313-C-T.
Other names: c.155C>T, p.Ala52Val (NM_001318245.2); c.155C>T (NM_032608.5, NM_032608.6); short protein forms A52V.
Identifiers: ClinVar variation 1549770 (VCV001549770.10), dbSNP rs200174012, ClinGen allele CA10159502.
Genomic context (GRCh38, chr22:25,763,346, plus strand): 5'-TCATCCCAGGGGGCTTCATTAAGCAACTGGTCCGGGGGACTGAAAAAGAGGCCAAGGAAG[C>T]GAGACAGAGGAAGCAGTTAGCTGTCGCCTCTCCAGAACGAGAGGTAAGTGGTTCCTAAGA-3'
Protein context (NP_115997.5, residues 42-62): VRGTEKEAKE[Ala52Val]RQRKQLAVAS

ClinVar aggregate classification (germline): Conflicting classifications of pathogenicity. Review status: criteria provided, conflicting classifications (1 of 4 stars). 3 submissions from 3 submitters: Uncertain significance (1); Likely benign (2). Last evaluated 2025-11-21.

Conditions:
MYO18B-related disorder. Also called: MYO18B-related condition.
Inborn genetic diseases. Identifiers: MedGen C0950123, MeSH D030342.

Allele frequency attached by ClinVar (database versions not stated): ESP Exome Variant Server 0.00008; gnomAD exomes 0.00008 and 0.00034; gnomAD 0.00019; 1000 Genomes Project 0.00020; TOPMed 0.00020; ExAC 0.00025; 1000 Genomes Project 30x 0.00031.
gnomAD v4.1: 144 of 1,612,658 alleles (0.0089%); highest among the groups gnomAD compares: Admixed American, 0.16%; no homozygotes.

Submissions (3):

Labcorp Genetics (formerly Invitae), Labcorp
Classification: Likely benign. Last evaluated: 2025-11-21. Review status: criteria provided, single submitter. Criteria: Invitae Variant Classification Sherloc (09022015). Collection method: clinical testing. Allele origin: germline.

PreventionGenetics, part of Exact Sciences
Classification: Likely benign for MYO18B-related condition. Last evaluated: 2025-02-05. Review status: criteria provided, single submitter. Criteria: ACMG Guidelines, 2015. Collection method: clinical testing. Allele origin: germline.
Comment: This variant is classified as likely benign based on ACMG/AMP sequence variant interpretation guidelines (Richards et al. 2015 PMID: 25741868, with internal and published modifications).

Ambry Genetics
Classification: Uncertain significance for Inborn genetic diseases. Last evaluated: 2024-05-29. Review status: criteria provided, single submitter. Criteria: Ambry Variant Classification Scheme 2023. Collection method: clinical testing. Allele origin: germline.